The following is an entry in ClinVar:

ClinVar aggregate classification (germline): Uncertain significance (1 of 4 stars; one submission).

Allele frequency attached by ClinVar (database versions not stated): ExAC 0.00002; gnomAD 0.00002; gnomAD exomes 0.00010.
gnomAD v4.1: 124 of 1,325,782 alleles (0.0094%); highest among the groups gnomAD compares: Non-Finnish European, 0.011%; no homozygotes.

Submission:

Labcorp Genetics (formerly Invitae), Labcorp
Classification: Uncertain significance. Last evaluated: 2026-01-04. Review status: criteria provided, single submitter. Criteria: Invitae Variant Classification Sherloc (09022015). Collection method: clinical testing. Allele origin: germline.
Comment: This sequence change replaces leucine, which is neutral and non-polar, with arginine, which is basic and polar, at codon 3 of the ITGAM protein (p.Leu3Arg). This variant is present in population databases (rs758554150, gnomAD 0.01%). This variant has not been reported in the literature in individuals affected with ITGAM-related conditions. ClinVar contains an entry for this variant (Variation ID: 2052199). An algorithm developed to predict the effect of missense changes on protein structure and function outputs the following: PolyPhen-2: "Not Available". The arginine amino acid residue is found in multiple mammalian species, which suggests that this missense change does not adversely affect protein function. In summary, the available evidence is currently insufficient to determine the role of this variant in disease. Therefore, it has been classified as a Variant of Uncertain Significance.

NM_000632.4(ITGAM):c.8T>G (p.Leu3Arg)

Gene: ITGAM (integrin subunit alpha M; plus strand). Cytogenetic location: 16p11.2.
Variant type: single nucleotide variant.
Coding change: c.8T>G on transcript NM_000632.4 (MANE Select); coding-DNA position 8, T replaced by G.
Protein change: p.Leu3Arg; replaces leucine 3 with arginine.
Molecular consequence: missense variant.
Genome position (GRCh38, 1-based): chr16:31,260,072, T>G. VCF-style: chr16-31260072-T-G. GRCh37 (hg19) VCF-style: chr16-31271393-T-G.
Other names: c.8T>G, p.Leu3Arg (NM_001145808.2); short protein forms L3R.
Identifiers: ClinVar variation 2052199 (VCV002052199.4), dbSNP rs758554150, ClinGen allele CA8025080.